The following is an entry in ClinVar:

NM_005739.4(RASGRP1):c.408C>G (p.Phe136Leu)

Gene: RASGRP1 (RAS guanyl releasing protein 1; minus strand). Cytogenetic location: 15q14.
Variant type: single nucleotide variant.
Coding change: c.408C>G on transcript NM_005739.4 (MANE Select); coding-DNA position 408, C replaced by G.
Protein change: p.Phe136Leu; replaces phenylalanine 136 with leucine.
Molecular consequence: missense variant.
Genome position (GRCh38, 1-based): chr15:38,518,405, G>C on the plus strand (C>G on the coding strand, the complement: RASGRP1 is on the minus strand). VCF-style: chr15-38518405-G-C. GRCh37 (hg19) VCF-style: chr15-38810606-G-C.
Other names: c.408C>G, p.Phe136Leu (NM_001128602.2, NM_001306086.2); short protein forms F136L.
Identifiers: ClinVar variation 2135722 (VCV002135722.4), dbSNP rs2542918574, ClinGen allele CA391655946.

ClinVar aggregate classification (germline): Uncertain significance (1 of 4 stars; one submission).

gnomAD v4.1: 1 of 1,605,092 alleles (0.000062%); highest among the groups gnomAD compares: Non-Finnish European, 0.000085%; no homozygotes.

Submission:

Labcorp Genetics (formerly Invitae), Labcorp
Classification: Uncertain significance. Last evaluated: 2022-05-08. Review status: criteria provided, single submitter. Criteria: Invitae Variant Classification Sherloc (09022015). Collection method: clinical testing. Allele origin: germline.
Comment: This sequence change replaces phenylalanine, which is neutral and non-polar, with leucine, which is neutral and non-polar, at codon 136 of the RASGRP1 protein (p.Phe136Leu). This variant is not present in population databases (gnomAD no frequency). This variant has not been reported in the literature in individuals affected with RASGRP1-related conditions. Algorithms developed to predict the effect of missense changes on protein structure and function (SIFT, PolyPhen-2, Align-GVGD) all suggest that this variant is likely to be tolerated. In summary, the available evidence is currently insufficient to determine the role of this variant in disease. Therefore, it has been classified as a Variant of Uncertain Significance.